The following is an entry in ClinVar:

ClinVar aggregate classification (germline): Pathogenic. Review status: criteria provided, multiple submitters, no conflicts (2 of 4 stars). 8 submissions from 7 submitters: Pathogenic (4). 4 of the submissions do not count toward it. Last evaluated 2023-11-04.

Conditions:
Usher syndrome type 2A. Also called: RETINAL DISEASE IN USHER SYNDROME TYPE IIA, MODIFIER OF; USHER SYNDROME, TYPE IIA. Identifiers: Orphanet 231178, Orphanet 886, MedGen C1848634, MONDO:0010169, OMIM 276901.
USH2A-related disorder. Also called: USH2A-related disorders; USH2A-related condition. Identifiers: MedGen CN239332.
Retinitis pigmentosa 39 (RP39). Identifiers: Orphanet 791, MedGen C3151138, MONDO:0013436, OMIM 613809.

Allele frequency attached by ClinVar (database versions not stated): gnomAD exomes below 0.00001; TOPMed below 0.00001.
gnomAD v4.1: 3 of 1,614,130 alleles (0.00019%); highest among the groups gnomAD compares: Non-Finnish European, 0.00025%; no homozygotes.

Submissions (8):

Genome-Nilou Lab
Classification: Pathogenic for Retinitis pigmentosa 39. Last evaluated: 2023-11-04. Review status: criteria provided, single submitter. Criteria: ACMG Guidelines, 2015. Collection method: clinical testing. Allele origin: germline. Affected: no.

Genome-Nilou Lab
Classification: Pathogenic for Usher syndrome type 2A. Last evaluated: 2023-11-04. Review status: criteria provided, single submitter. Criteria: ACMG Guidelines, 2015. Collection method: clinical testing. Allele origin: germline. Affected: no.

Labcorp Genetics (formerly Invitae), Labcorp
Classification: Pathogenic. Last evaluated: 2022-04-14. Review status: criteria provided, single submitter. Criteria: Invitae Variant Classification Sherloc (09022015). Collection method: clinical testing. Allele origin: germline.
Comment: For these reasons, this variant has been classified as Pathogenic. ClinVar contains an entry for this variant (Variation ID: 553648). This premature translational stop signal has been observed in individual(s) with Usher syndrome and inherited retinal disease (PMID: 26927203, 27160483). This variant is not present in population databases (gnomAD no frequency). This sequence change creates a premature translational stop signal (p.Trp2693*) in the USH2A gene. It is expected to result in an absent or disrupted protein product. Loss-of-function variants in USH2A are known to be pathogenic (PMID: 10729113, 10909849, 20507924, 25649381).

Blueprint Genetics
Classification: Pathogenic for USH2A-related disorders. Last evaluated: 2019-10-02. Review status: criteria provided, single submitter. Criteria: ACMG Guidelines, 2015. Collection method: clinical testing. Allele origin: germline. Affected: yes. Observed: 2 variant alleles.

Counsyl
Classification: Pathogenic for Usher syndrome type 2A; Retinitis pigmentosa 39. Last evaluated: 2017-09-11. Review status: no assertion criteria provided. Collection method: clinical testing. Allele origin: unknown. Not counted in ClinVar's aggregate classification.

Clinical Genetics DNA and cytogenetics Diagnostics Lab, Erasmus MC, Erasmus Medical Center
Classification: Pathogenic. Review status: no assertion criteria provided. Collection method: clinical testing. Allele origin: germline. Affected: yes. Study: VKGL Data-share Consensus. Not counted in ClinVar's aggregate classification.

Clinical Genetics, Academic Medical Center
Classification: Pathogenic. Review status: no assertion criteria provided. Collection method: clinical testing. Allele origin: germline. Affected: yes. Study: VKGL Data-share Consensus. Not counted in ClinVar's aggregate classification.

Joint Genome Diagnostic Labs from Nijmegen and Maastricht, Radboudumc and MUMC+
Classification: Pathogenic. Review status: no assertion criteria provided. Collection method: clinical testing. Allele origin: germline. Affected: yes. Study: VKGL Data-share Consensus. Not counted in ClinVar's aggregate classification.

Literature cited by the submitters: PubMed 26927203 (cited by Labcorp Genetics (formerly Invitae), Labcorp and Counsyl); PubMed 27160483 (cited by Labcorp Genetics (formerly Invitae), Labcorp); PubMed 10729113 (cited by Labcorp Genetics (formerly Invitae), Labcorp); PubMed 10909849 (cited by Labcorp Genetics (formerly Invitae), Labcorp); PubMed 20507924 (cited by Labcorp Genetics (formerly Invitae), Labcorp); PubMed 25649381 (cited by Labcorp Genetics (formerly Invitae), Labcorp); PubMed 27318125 (cited by Counsyl).

NM_206933.4(USH2A):c.8079G>A (p.Trp2693Ter)

Gene: USH2A (usherin; minus strand). Cytogenetic location: 1q41.
Variant type: single nucleotide variant.
Coding change: c.8079G>A on transcript NM_206933.4 (MANE Select); coding-DNA position 8079, G replaced by A.
Protein change: p.Trp2693Ter; replaces tryptophan 2693 with a stop codon.
Molecular consequence: nonsense.
Genome position (GRCh38, 1-based): chr1:215,888,570, C>T on the plus strand (G>A on the coding strand, the complement: USH2A is on the minus strand). VCF-style: chr1-215888570-C-T. GRCh37 (hg19) VCF-style: chr1-216061912-C-T.
Other names: short protein forms W2693*.
Identifiers: ClinVar variation 553648 (VCV000553648.17), dbSNP rs1553273330, ClinGen allele CA344838956.